The following is an entry in ClinVar:

NM_025179.4(PLXNA2):c.3344G>A (p.Arg1115His)

Gene: PLXNA2 (plexin A2; minus strand). Cytogenetic location: 1q32.2.
Variant type: single nucleotide variant.
Coding change: c.3344G>A on transcript NM_025179.4 (MANE Select); coding-DNA position 3344, G replaced by A.
Protein change: p.Arg1115His; replaces arginine 1115 with histidine.
Molecular consequence: missense variant.
Genome position (GRCh38, 1-based): chr1:208,046,029, C>T on the plus strand (G>A on the coding strand, the complement: PLXNA2 is on the minus strand). VCF-style: chr1-208046029-C-T. GRCh37 (hg19) VCF-style: chr1-208219374-C-T.
Other names: c.3344G>A (NM_025179.3); short protein forms R1115H.
Identifiers: ClinVar variation 1408697 (VCV001408697.9), dbSNP rs749983857, ClinGen allele CA1373207.

ClinVar aggregate classification (germline): Uncertain significance. Review status: criteria provided, multiple submitters, no conflicts (2 of 4 stars). 3 submissions from 3 submitters: Uncertain significance (3). Last evaluated 2026-02-04.

Conditions:
PLXNA2-related disorder. Also called: PLXNA2-related condition.

Allele frequency attached by ClinVar (database versions not stated): gnomAD exomes 0.00001; ExAC 0.00002; TOPMed 0.00002; gnomAD 0.00003 and 0.00004.
gnomAD v4.1: 25 of 1,614,120 alleles (0.0015%); highest among the groups gnomAD compares: African/African-American, 0.0053%; no homozygotes.

Submissions (3):

PreventionGenetics, part of Exact Sciences
Classification: Uncertain significance for PLXNA2-related condition. Last evaluated: 2026-02-04. Review status: criteria provided, single submitter. Criteria: ACMG Guidelines, 2015. Collection method: clinical testing. Allele origin: germline.
Comment: The PLXNA2 c.3344G>A variant is predicted to result in the amino acid substitution p.Arg1115His. To our knowledge, this variant has not been reported in the literature. This variant is reported in 0.0023% of alleles in individuals of European (non-Finnish) descent in gnomAD. At this time, the clinical significance of this variant is uncertain due to the absence of conclusive functional and genetic evidence.

Labcorp Genetics (formerly Invitae), Labcorp
Classification: Uncertain significance. Last evaluated: 2024-10-14. Review status: criteria provided, single submitter. Criteria: Invitae Variant Classification Sherloc (09022015). Collection method: clinical testing. Allele origin: germline.
Comment: This sequence change replaces arginine, which is basic and polar, with histidine, which is basic and polar, at codon 1115 of the PLXNA2 protein (p.Arg1115His). This variant is present in population databases (rs749983857, gnomAD 0.004%). This variant has not been reported in the literature in individuals affected with PLXNA2-related conditions. ClinVar contains an entry for this variant (Variation ID: 1408697). Invitae Evidence Modeling of protein sequence and biophysical properties (such as structural, functional, and spatial information, amino acid conservation, physicochemical variation, residue mobility, and thermodynamic stability) indicates that this missense variant is not expected to disrupt PLXNA2 protein function with a negative predictive value of 80%. In summary, the available evidence is currently insufficient to determine the role of this variant in disease. Therefore, it has been classified as a Variant of Uncertain Significance.

Ambry Genetics
Classification: Uncertain significance. Last evaluated: 2023-08-05. Review status: criteria provided, single submitter. Criteria: Ambry Variant Classification Scheme 2023. Collection method: clinical testing. Allele origin: germline.